The following is an entry in ClinVar:

ClinVar aggregate classification (germline): Uncertain significance (1 of 4 stars; one submission).

Allele frequency attached by ClinVar (database versions not stated): TOPMed 0.00001; gnomAD exomes 0.00002 and 0.00003; ExAC 0.00003.
gnomAD v4.1: 18 of 1,613,450 alleles (0.0011%); highest among the groups gnomAD compares: East Asian, 0.038%; no homozygotes.

Submission:

Labcorp Genetics (formerly Invitae), Labcorp
Classification: Uncertain significance. Last evaluated: 2021-08-26. Review status: criteria provided, single submitter. Criteria: Invitae Variant Classification Sherloc (09022015). Collection method: clinical testing. Allele origin: germline.
Comment: This sequence change replaces glycine with valine at codon 2008 of the CDH23 protein (p.Gly2008Val). The glycine residue is moderately conserved and there is a moderate physicochemical difference between glycine and valine. This variant is present in population databases (rs774547323, ExAC 0.04%). This variant has not been reported in the literature in individuals affected with CDH23-related conditions. Algorithms developed to predict the effect of missense changes on protein structure and function are either unavailable or do not agree on the potential impact of this missense change (SIFT: "Deleterious"; PolyPhen-2: "Not Available"; Align-GVGD: "Class C0"). In summary, the available evidence is currently insufficient to determine the role of this variant in disease. Therefore, it has been classified as a Variant of Uncertain Significance.

NM_022124.6(CDH23):c.6023G>T (p.Gly2008Val)

Gene: CDH23 (cadherin related 23; plus strand). Cytogenetic location: 10q22.1.
Variant type: single nucleotide variant.
Coding change: c.6023G>T on transcript NM_022124.6 (MANE Select); coding-DNA position 6023, G replaced by T.
Protein change: p.Gly2008Val; replaces glycine 2008 with valine.
Molecular consequence: missense variant.
Genome position (GRCh38, 1-based): chr10:71,790,387, G>T. VCF-style: chr10-71790387-G-T. GRCh37 (hg19) VCF-style: chr10-73550144-G-T.
Other names: short protein forms G2008V.
Identifiers: ClinVar variation 1481335 (VCV001481335.5), dbSNP rs774547323, ClinGen allele CA5545962.